The following is an entry in ClinVar:

NM_001080449.3(DNA2):c.791G>A (p.Ser264Asn)

Gene: DNA2 (DNA replication helicase/nuclease 2; minus strand). Cytogenetic location: 10q21.3.
Variant type: single nucleotide variant.
Coding change: c.791G>A on transcript NM_001080449.3 (MANE Select); coding-DNA position 791, G replaced by A.
Protein change: p.Ser264Asn; replaces serine 264 with asparagine.
Molecular consequence: missense variant. On other transcripts: non-coding transcript variant (1).
Genome position (GRCh38, 1-based): chr10:68,450,176, C>T on the plus strand (G>A on the coding strand, the complement: DNA2 is on the minus strand). VCF-style: chr10-68450176-C-T. GRCh37 (hg19) VCF-style: chr10-70209933-C-T.
Other names: short protein forms S264N.
Identifiers: ClinVar variation 2640531 (VCV002640531.24), dbSNP rs747233207, ClinGen allele CA5525207.

ClinVar aggregate classification (germline): Likely benign (1 of 4 stars; one submission).

Allele frequency attached by ClinVar (database versions not stated): gnomAD exomes 0.00002; TOPMed 0.00002; gnomAD 0.00003; ExAC 0.00004.
gnomAD v4.1: 32 of 1,606,294 alleles (0.002%); highest among the groups gnomAD compares: East Asian, 0.0045%; no homozygotes.

Submission:

CeGaT Center for Human Genetics Tuebingen
Classification: Likely benign. Last evaluated: 2024-01-01. Review status: criteria provided, single submitter. Criteria: CeGaT Center For Human Genetics Tuebingen Variant Classification Criteria Version 2. Collection method: clinical testing. Allele origin: germline. Affected: yes. Observed: 2 variant alleles.
Comment: DNA2: BP4, BS2